The following is an entry in ClinVar:

NM_004364.5(CEBPA):c.890G>T (p.Arg297Leu)

Gene: CEBPA (CCAAT enhancer binding protein alpha; minus strand). Cytogenetic location: 19q13.11.
Variant type: single nucleotide variant.
Coding change: c.890G>T on transcript NM_004364.5 (MANE Select); coding-DNA position 890, G replaced by T.
Protein change: p.Arg297Leu; replaces arginine 297 with leucine.
Molecular consequence: missense variant.
Genome position (GRCh38, 1-based): chr19:33,301,525, C>A on the plus strand (G>T on the coding strand, the complement: CEBPA is on the minus strand). VCF-style: chr19-33301525-C-A. GRCh37 (hg19) VCF-style: chr19-33792431-C-A.
Other names: c.890G>T (NM_004364.3); c.533G>T, p.Arg178Leu (NM_001285829.2); c.995G>T, p.Arg332Leu (NM_001287424.2); c.848G>T, p.Arg283Leu (NM_001287435.2); short protein forms R332L, R178L, R283L, R297L.
Identifiers: ClinVar variation 661265 (VCV000661265.11), dbSNP rs1600021258, ClinGen allele CA405273990.

ClinVar aggregate classification (germline): Uncertain significance. Review status: criteria provided, multiple submitters, no conflicts (2 of 4 stars). 3 submissions from 3 submitters: Uncertain significance (3). Last evaluated 2024-12-19.

Conditions:
Acute myeloid leukemia (AML). Also called: Acute myeloid leukemia, adult; AML adult; Acute non-lymphocytic leukemia; Acute granulocytic leukemia; Leukemia, acute myeloid, somatic; Leukemia, acute myelogenous, somatic. Identifiers: Orphanet 519, MedGen C0023467, MeSH D015470, MONDO:0018874, OMIM 601626, HP:0004808. Disease mechanism: Constitutively activated FLT3.
Inborn genetic diseases. Identifiers: MedGen C0950123, MeSH D030342.

Submissions (3):

Ambry Genetics
Classification: Uncertain significance for Inborn genetic diseases. Last evaluated: 2024-12-19. Review status: criteria provided, single submitter. Criteria: Ambry Variant Classification Scheme 2023. Collection method: clinical testing. Allele origin: germline.
Comment: The p.R297L variant (also known as c.890G>T), located in coding exon 1 of the CEBPA gene, results from a G to T substitution at nucleotide position 890. The arginine at codon 297 is replaced by leucine, an amino acid with dissimilar properties. This amino acid position is highly conserved in available vertebrate species. In addition, this alteration is predicted to be deleterious by in silico analysis. Based on the available evidence, the clinical significance of this variant remains unclear.

Labcorp Genetics (formerly Invitae), Labcorp
Classification: Uncertain significance for Acute myeloid leukemia. Last evaluated: 2023-07-22. Review status: criteria provided, single submitter. Criteria: Invitae Variant Classification Sherloc (09022015). Collection method: clinical testing. Allele origin: germline.
Comment: This sequence change replaces arginine, which is basic and polar, with leucine, which is neutral and non-polar, at codon 297 of the CEBPA protein (p.Arg297Leu). This variant is not present in population databases (gnomAD no frequency). This missense change has been observed in individual(s) with familial acute myelogenous leukemia (PMID: 23926458). ClinVar contains an entry for this variant (Variation ID: 661265). Advanced modeling of protein sequence and biophysical properties (such as structural, functional, and spatial information, amino acid conservation, physicochemical variation, residue mobility, and thermodynamic stability) performed at Invitae indicates that this missense variant is expected to disrupt CEBPA protein function. In summary, the available evidence is currently insufficient to determine the role of this variant in disease. Therefore, it has been classified as a Variant of Uncertain Significance.

GeneDx
Classification: Uncertain significance. Last evaluated: 2023-03-03. Review status: criteria provided, single submitter. Criteria: GeneDx Variant Classification Process June 2021. Collection method: clinical testing. Allele origin: germline. Affected: yes.
Comment: Not observed at significant frequency in large population cohorts (gnomAD); In silico analysis supports that this missense variant has a deleterious effect on protein structure/function; Observed in individuals with a personal and/or family history of acute myeloid leukemia referred for genetic testing at GeneDx and in published literature (Taskesen et al., 2011); This variant is associated with the following publications: (PMID: 23926458, 28637622, 21455213, 21177436)

Literature cited by the submitters: PubMed 23926458 (cited by Labcorp Genetics (formerly Invitae), Labcorp).